The following is an entry in ClinVar:

NM_000222.3(KIT):c.2470G>A (p.Val824Met)

Gene: KIT (KIT proto-oncogene, receptor tyrosine kinase; plus strand). Cytogenetic location: 4q12.
Variant type: single nucleotide variant.
Coding change: c.2470G>A on transcript NM_000222.3 (MANE Select); coding-DNA position 2470, G replaced by A.
Protein change: p.Val824Met; replaces valine 824 with methionine.
Molecular consequence: missense variant.
Genome position (GRCh38, 1-based): chr4:54,733,178, G>A. VCF-style: chr4-54733178-G-A. GRCh37 (hg19) VCF-style: chr4-55599344-G-A.
Other names: c.2467G>A, p.Val823Met (NM_001385285.1); c.2455G>A, p.Val819Met (NM_001385286.1); c.2461G>A, p.Val821Met (NM_001385288.1); c.2470G>A, p.Val824Met (NM_001385290.1); c.2458G>A, p.Val820Met (NM_001385292.1, NM_001093772.2); c.2473G>A, p.Val825Met (NM_001385284.1); short protein forms V820M, V824M, V825M, V819M, V821M, V823M.
Identifiers: ClinVar variation 2815873 (VCV002815873.4), dbSNP rs1393694683, ClinGen allele CA356912008.

ClinVar aggregate classification (germline): Uncertain significance. Review status: criteria provided, multiple submitters, no conflicts (2 of 4 stars). 2 submissions from 2 submitters: Uncertain significance (2). Last evaluated 2026-01-28.

Conditions:
Hereditary cancer-predisposing syndrome. Also called: Neoplastic Syndromes, Hereditary; Tumor predisposition; Hereditary Cancer Syndrome; Hereditary neoplastic syndrome. Identifiers: Orphanet 140162, MedGen C0027672, MeSH D009386, MONDO:0015356.
Gastrointestinal stromal tumor. Also called: Gastrointestinal stromal tumor, somatic; Gastrointestinal stroma tumor. Identifiers: Orphanet 44890, MedGen C0238198, MeSH D046152, MONDO:0011719, OMIM 606764, HP:0100723.

Allele frequency attached by ClinVar (database versions not stated): gnomAD 0.00001; TOPMed 0.00001.
gnomAD v4.1: 1 of 1,612,504 alleles (0.000062%); highest among the groups gnomAD compares: African/African-American, 0.0013%; no homozygotes.

Submissions (2):

Ambry Genetics
Classification: Uncertain significance for Hereditary cancer-predisposing syndrome. Last evaluated: 2026-01-28. Review status: criteria provided, single submitter. Criteria: Ambry Variant Classification Scheme 2023. Collection method: clinical testing. Allele origin: germline.
Comment: The p.V824M variant (also known as c.2470G>A), located in coding exon 17 of the KIT gene, results from a G to A substitution at nucleotide position 2470. The valine at codon 824 is replaced by methionine, an amino acid with highly similar properties. This amino acid position is highly conserved in available vertebrate species. In addition, this alteration is predicted to be deleterious by in silico analysis. Based on the available evidence, the clinical significance of this variant remains unclear.

Labcorp Genetics (formerly Invitae), Labcorp
Classification: Uncertain significance for Gastrointestinal stromal tumor. Last evaluated: 2022-11-23. Review status: criteria provided, single submitter. Criteria: Invitae Variant Classification Sherloc (09022015). Collection method: clinical testing. Allele origin: germline.
Comment: In summary, the available evidence is currently insufficient to determine the role of this variant in disease. Therefore, it has been classified as a Variant of Uncertain Significance. Algorithms developed to predict the effect of missense changes on protein structure and function are either unavailable or do not agree on the potential impact of this missense change (SIFT: "Deleterious"; PolyPhen-2: "Probably Damaging"; Align-GVGD: "Class C15"). This variant has not been reported in the literature in individuals affected with KIT-related conditions. This variant is not present in population databases (gnomAD no frequency). This sequence change replaces valine, which is neutral and non-polar, with methionine, which is neutral and non-polar, at codon 824 of the KIT protein (p.Val824Met).